The following is an entry in ClinVar:

NM_005431.2(XRCC2):c.801dup (p.His268fs)

Gene: XRCC2 (X-ray repair cross complementing 2; minus strand). Cytogenetic location: 7q36.1.
Variant type: Duplication.
Coding change: c.801dup on transcript NM_005431.2 (MANE Select); coding-DNA position 801, one base duplicated (A; older notation c.801dupA).
Protein change: p.His268fs; shifts the reading frame from histidine 268.
Molecular consequence: frameshift variant.
Genome position (GRCh38, 1-based): chr7:152,648,684, T duplicated on the plus strand (A on the coding strand, the reverse complement: XRCC2 is on the minus strand); the first of 7 consecutive T bases (chr7:152,648,684-152,648,690); duplicating any one gives the same sequence. VCF-style (leftmost placement, unchanged base first): chr7-152648683-G-GT. GRCh37 (hg19) VCF-style: chr7-152345768-G-GT.
Other names: c.801dupA (NM_005431.1); short protein forms H268fs.
Identifiers: ClinVar variation 1394673 (VCV001394673.7), dbSNP rs759063323, ClinGen allele CA4582292.
Genomic context (GRCh38, chr7:152,648,683, plus strand): 5'-GACTATTTTATGATGTATATCAACAAAATTCAACCCCACTTTCTCCAATAATAAAAAAAT[G>GT]TTTTTTTAAACTGTTACTTTTTAAACAACGTGAAACTAATGAAAATTGGTTGCTGCTTTG-3'

ClinVar aggregate classification (germline): Uncertain significance. Review status: criteria provided, multiple submitters, no conflicts (2 of 4 stars). 2 submissions from 2 submitters: Uncertain significance (2). Last evaluated 2024-01-17.

Conditions:
Hereditary cancer-predisposing syndrome. Also called: Neoplastic Syndromes, Hereditary; Hereditary neoplastic syndrome; Tumor predisposition; Hereditary Cancer Syndrome. Identifiers: Orphanet 140162, MedGen C0027672, MeSH D009386, MONDO:0015356.

Submissions (2):

Ambry Genetics
Classification: Uncertain significance for Hereditary cancer-predisposing syndrome. Last evaluated: 2024-01-17. Review status: criteria provided, single submitter. Criteria: Ambry Variant Classification Scheme 2023. Collection method: clinical testing. Allele origin: germline.
Comment: The c.801dupA variant, located in coding exon 3 of the XRCC2 gene, results from a duplication of A at nucleotide position 801, causing a translational frameshift with a predicted alternate stop codon (p.H268Tfs*11). This alteration occurs at the 3' terminus of theXRCC2 gene, is not expected to trigger nonsense-mediated mRNAdecay, and only impacts the last 13 amino acids of the protein. The exact functional effect of this alteration is unknown. Based on the available evidence, the clinical significance of this alteration remains unclear.

Labcorp Genetics (formerly Invitae), Labcorp
Classification: Uncertain significance. Last evaluated: 2021-07-06. Review status: criteria provided, single submitter. Criteria: Invitae Variant Classification Sherloc (09022015). Collection method: clinical testing. Allele origin: germline.
Comment: This sequence change creates a premature translational stop signal (p.His268Thrfs*11) in the XRCC2 gene. While this is not anticipated to result in nonsense mediated decay, it is expected to disrupt the last 13 amino acid(s) of the XRCC2 protein. The frequency data for this variant in the population databases is considered unreliable, as metrics indicate poor data quality at this position in the ExAC database. This variant has not been reported in the literature in individuals affected with XRCC2-related conditions. In summary, the available evidence is currently insufficient to determine the role of this variant in disease. Therefore, it has been classified as a Variant of Uncertain Significance.